The following is an entry in ClinVar:

ClinVar aggregate classification (germline): Conflicting classifications of pathogenicity. Review status: criteria provided, conflicting classifications (1 of 4 stars). 4 submissions from 4 submitters: Uncertain significance (3); Likely benign (1). Last evaluated 2023-10-16.

Conditions:
Cerebral arteriopathy, autosomal dominant, with subcortical infarcts and leukoencephalopathy, type 1 (CADASIL1). Also called: CADASIL 1; CASIL; Cerebral arteriopathy with subcortical infarcts and leukoencephalopathy 1; DEMENTIA, HEREDITARY MULTIINFARCT TYPE. Identifiers: Orphanet 136, MedGen C4551768, MONDO:0000914, OMIM 125310.

Allele frequency attached by ClinVar (database versions not stated): TOPMed 0.00006; gnomAD 0.00007 and 0.00008; gnomAD exomes 0.00007; ExAC 0.00009.
gnomAD v4.1: 128 of 1,609,956 alleles (0.008%); highest among the groups gnomAD compares: Non-Finnish European, 0.011%; no homozygotes.

Submissions (4):

Labcorp Genetics (formerly Invitae), Labcorp
Classification: Likely benign. Last evaluated: 2023-10-16. Review status: criteria provided, single submitter. Criteria: Invitae Variant Classification Sherloc (09022015). Collection method: clinical testing. Allele origin: germline.

Mayo Clinic Laboratories, Mayo Clinic
Classification: Uncertain significance. Last evaluated: 2022-08-29. Review status: criteria provided, single submitter. Criteria: ACMG Guidelines, 2015. Collection method: clinical testing. Allele origin: germline. Observed: 1 variant allele.

CeGaT Center for Human Genetics Tuebingen
Classification: Uncertain significance. Last evaluated: 2022-04-01. Review status: criteria provided, single submitter. Criteria: CeGaT Center For Human Genetics Tuebingen Variant Classification Criteria Version 2. Collection method: clinical testing. Allele origin: germline. Affected: yes. Observed: 1 variant allele.
Comment: NOTCH3: PP2, BP4

Centre for Mendelian Genomics, University Medical Centre Ljubljana
Classification: Uncertain significance for Cerebral arteriopathy, autosomal dominant, with subcortical infarcts and leukoencephalopathy, type 1. Last evaluated: 2020-02-20. Review status: criteria provided, single submitter. Criteria: ACMG Guidelines, 2015. Collection method: clinical testing. Allele origin: unknown. Affected: yes.
Comment: This variant was classified as: Uncertain significance. The available evidence on this variant's pathogenicity is insufficient or conflicting. The following ACMG criteria were applied in classifying this variant: PP2,BP4.

Literature cited by the submitters: PubMed 22006983 (cited by Mayo Clinic Laboratories, Mayo Clinic).

NM_000435.3(NOTCH3):c.3785G>T (p.Arg1262Leu)

Gene: NOTCH3 (notch receptor 3; minus strand). Cytogenetic location: 19p13.12.
Variant type: single nucleotide variant.
Coding change: c.3785G>T on transcript NM_000435.3 (MANE Select); coding-DNA position 3785, G replaced by T.
Protein change: p.Arg1262Leu; replaces arginine 1262 with leucine.
Molecular consequence: missense variant.
Genome position (GRCh38, 1-based): chr19:15,178,875, C>A on the plus strand (G>T on the coding strand, the complement: NOTCH3 is on the minus strand). VCF-style: chr19-15178875-C-A. GRCh37 (hg19) VCF-style: chr19-15289686-C-A.
Other names: p.Arg1262Leu; short protein forms R1262L.
Identifiers: ClinVar variation 931730 (VCV000931730.31), dbSNP rs143684274, ClinGen allele CA9262976.